The following is an entry in ClinVar:

NM_006231.4(POLE):c.3268del (p.Thr1090fs)

Gene: POLE (DNA polymerase epsilon, catalytic subunit; minus strand). Cytogenetic location: 12q24.33.
Variant type: Deletion.
Coding change: c.3268del on transcript NM_006231.4 (MANE Select); coding-DNA position 3268, one base deleted (A; older notation c.3268delA).
Protein change: p.Thr1090fs; shifts the reading frame from threonine 1090.
Molecular consequence: frameshift variant.
Genome position (GRCh38, 1-based): chr12:132,659,302, T deleted on the plus strand (A on the coding strand, the reverse complement: POLE is on the minus strand). VCF-style (leftmost placement, unchanged base first): chr12-132659301-GT-G. GRCh37 (hg19) VCF-style: chr12-133235887-GT-G.
Other names: short protein forms T1090fs.
Identifiers: ClinVar variation 2698559 (VCV002698559.3), dbSNP rs2542022431, ClinGen allele CA2697551592.

ClinVar aggregate classification (germline): Pathogenic (1 of 4 stars; one submission).

Submission:

Labcorp Genetics (formerly Invitae), Labcorp
Classification: Pathogenic. Last evaluated: 2023-11-24. Review status: criteria provided, single submitter. Criteria: Invitae Variant Classification Sherloc (09022015). Collection method: clinical testing. Allele origin: germline.
Comment: This sequence change creates a premature translational stop signal (p.Thr1090Argfs*16) in the POLE gene. It is expected to result in an absent or disrupted protein product. Loss-of-function variants in POLE are known to be pathogenic (PMID: 23230001, 25948378, 30503519). This variant is not present in population databases (gnomAD no frequency). This variant has not been reported in the literature in individuals affected with POLE-related conditions. For these reasons, this variant has been classified as Pathogenic.

Literature cited by the submitters: PubMed 23230001; PubMed 25948378; PubMed 30503519.